The following is an entry in ClinVar:

NM_000051.4(ATM):c.5591C>T (p.Thr1864Ile)

Gene: ATM (ATM serine/threonine kinase; plus strand). Cytogenetic location: 11q22.3.
Variant type: single nucleotide variant.
Coding change: c.5591C>T on transcript NM_000051.4 (MANE Select); coding-DNA position 5591, C replaced by T.
Protein change: p.Thr1864Ile; replaces threonine 1864 with isoleucine.
Molecular consequence: missense variant.
Genome position (GRCh38, 1-based): chr11:108,304,769, C>T. VCF-style: chr11-108304769-C-T. GRCh37 (hg19) VCF-style: chr11-108175496-C-T.
Other names: c.5591C>T, p.Thr1864Ile (NM_001351834.2); short protein forms T1864I.
Identifiers: ClinVar variation 952423 (VCV000952423.12), dbSNP rs779156037, ClinGen allele CA6265733.

ClinVar aggregate classification (germline): Uncertain significance. Review status: criteria provided, multiple submitters, no conflicts (2 of 4 stars). 3 submissions from 3 submitters: Uncertain significance (3). Last evaluated 2025-11-09.

Conditions:
Hereditary cancer-predisposing syndrome. Also called: Hereditary neoplastic syndrome; Tumor predisposition; Neoplastic Syndromes, Hereditary; Hereditary Cancer Syndrome. Identifiers: Orphanet 140162, MedGen C0027672, MeSH D009386, MONDO:0015356.
Ataxia-telangiectasia syndrome (AT). Also called: LOUIS-BAR SYNDROME; Ataxia telangiectasia (A-T); Cerebello-oculocutaneous telangiectasia; Immunodeficiency with ataxia telangiectasia; ATAXIA-TELANGIECTASIA, COMPLEMENTATION GROUP A; ATAXIA-TELANGIECTASIA, FRESNO VARIANT. Identifiers: Orphanet 100, MedGen C0004135, MONDO:0008840, OMIM 208900.

Allele frequency attached by ClinVar (database versions not stated): gnomAD exomes below 0.00001; ExAC 0.00001.
gnomAD v4.1: 1 of 1,613,976 alleles (0.000062%); highest among the groups gnomAD compares: East Asian, 0.0022%; no homozygotes.

Submissions (3):

Labcorp Genetics (formerly Invitae), Labcorp
Classification: Uncertain significance for Ataxia-telangiectasia syndrome. Last evaluated: 2025-11-09. Review status: criteria provided, single submitter. Criteria: Invitae Variant Classification Sherloc (09022015). Collection method: clinical testing. Allele origin: germline.
Comment: This sequence change replaces threonine, which is neutral and polar, with isoleucine, which is neutral and non-polar, at codon 1864 of the ATM protein (p.Thr1864Ile). This variant is present in population databases (rs779156037, gnomAD 0.006%). This variant has not been reported in the literature in individuals affected with ATM-related conditions. ClinVar contains an entry for this variant (Variation ID: 952423). Invitae Evidence Modeling of protein sequence and biophysical properties (such as structural, functional, and spatial information, amino acid conservation, physicochemical variation, residue mobility, and thermodynamic stability) indicates that this missense variant is not expected to disrupt ATM protein function with a negative predictive value of 95%. In summary, the available evidence is currently insufficient to determine the role of this variant in disease. Therefore, it has been classified as a Variant of Uncertain Significance.

GeneDx
Classification: Uncertain significance. Last evaluated: 2024-08-20. Review status: criteria provided, single submitter. Criteria: GeneDx Variant Classification Process June 2021. Collection method: clinical testing. Allele origin: germline. Affected: yes.
Comment: Not observed at significant frequency in large population cohorts (gnomAD); In silico analysis indicates that this missense variant does not alter protein structure/function; Has not been previously published as pathogenic or benign to our knowledge

Ambry Genetics
Classification: Uncertain significance for Hereditary cancer-predisposing syndrome. Last evaluated: 2020-05-04. Review status: criteria provided, single submitter. Criteria: Ambry Variant Classification Scheme 2023. Collection method: clinical testing. Allele origin: germline.
Comment: The p.T1864I variant (also known as c.5591C>T), located in coding exon 36 of the ATM gene, results from a C to T substitution at nucleotide position 5591. The threonine at codon 1864 is replaced by isoleucine, an amino acid with similar properties. This amino acid position is not well conserved in available vertebrate species. In addition, this alteration is predicted to be tolerated by in silico analysis. Since supporting evidence is limited at this time, the clinical significance of this alteration remains unclear.